The following is an entry in ClinVar:

NM_152416.4(NDUFAF6):c.485del (p.Asn162fs)

Gene: NDUFAF6 (NADH:ubiquinone oxidoreductase complex assembly factor 6; plus strand). Cytogenetic location: 8q22.1.
Variant type: Deletion.
Coding change: c.485del on transcript NM_152416.4 (MANE Select); coding-DNA position 485, one base deleted (A; older notation c.485delA).
Protein change: p.Asn162fs; shifts the reading frame from asparagine 162.
Molecular consequence: frameshift variant. On other transcripts: non-coding transcript variant (6).
Genome position (GRCh38, 1-based): chr8:95,045,552, A deleted; the last of 7 consecutive A bases (chr8:95,045,546-95,045,552); deleting any one gives the same sequence. VCF-style (leftmost placement, unchanged base first): chr8-95045545-GA-G. GRCh37 (hg19) VCF-style: chr8-96057773-GA-G.
Other names: c.485del (NM_152416.2); c.479delA (NM_152416.4); c.209del, p.Asn70fs (NM_001330582.2, NM_001354514.2, NM_001354515.2 and 1 more transcripts); c.329del, p.Asn110fs (NM_001354516.2); c.152del, p.Asn51fs (NM_001354517.2, NM_001354518.2, NM_001354519.2 and 1 more transcripts); c.29del, p.Asn10fs (NM_001354522.2, NM_001354524.2, NM_001354525.2 and 7 more transcripts); short protein forms N10fs, N110fs, N162fs, N51fs, N70fs.
Identifiers: ClinVar variation 1064697 (VCV001064697.9), dbSNP rs762093523, ClinGen allele CA4814817.

ClinVar aggregate classification (germline): Pathogenic/Likely pathogenic. Review status: criteria provided, multiple submitters, no conflicts (2 of 4 stars). 5 submissions from 5 submitters: Pathogenic (2); Likely pathogenic (2). 1 of the submissions does not count toward it. Last evaluated 2024-06-10.

Conditions:
NDUFAF6-related disorder. Also called: NDUFAF6-related condition.
Fanconi renotubular syndrome 5. Also called: FANCONI RENOTUBULAR SYNDROME, ACADIAN VARIANT. Identifiers: MedGen C5394473, MONDO:0030056, OMIM 618913.
Mitochondrial complex I deficiency, nuclear type 17. Also called: Mitochondrial complex 1 deficiency, nuclear type 17. Identifiers: MedGen C4748786, MONDO:0032622, OMIM 618239.

Submissions (5):

Labcorp Genetics (formerly Invitae), Labcorp
Classification: Pathogenic. Last evaluated: 2024-06-10. Review status: criteria provided, single submitter. Criteria: Invitae Variant Classification Sherloc (09022015). Collection method: clinical testing. Allele origin: germline.
Comment: This sequence change creates a premature translational stop signal (p.Asn162Ilefs*27) in the NDUFAF6 gene. It is expected to result in an absent or disrupted protein product. Loss-of-function variants in NDUFAF6 are known to be pathogenic (PMID: 28639102, 30642748). The frequency data for this variant in the population databases is considered unreliable, as metrics indicate poor data quality at this position in the gnomAD database. This premature translational stop signal has been observed in individual(s) with clinical features of mitochondrial complex I deficiency (PMID: 37377599). This variant is also known as c.479delA. ClinVar contains an entry for this variant (Variation ID: 1064697). For these reasons, this variant has been classified as Pathogenic.

Fulgent Genetics
Classification: Pathogenic for Mitochondrial complex I deficiency, nuclear type 17; Fanconi renotubular syndrome 5. Last evaluated: 2024-01-24. Review status: criteria provided, single submitter. Criteria: ACMG Guidelines, 2015. Collection method: clinical testing. Allele origin: germline.

GeneDx
Classification: Likely pathogenic. Last evaluated: 2023-11-09. Review status: criteria provided, single submitter. Criteria: GeneDx Variant Classification Process June 2021. Collection method: clinical testing. Allele origin: germline. Affected: yes.
Comment: Frameshift variant predicted to result in protein truncation or nonsense mediated decay in a gene for which loss-of-function is a known mechanism of disease; Identified in trans with an intronic variant in an individual with suspected mitochondrial disease with symptoms including regression, dystonia and abnormal MRI (PMID: 37377599); Not observed at a significant frequency in large population cohorts (gnomAD); This variant is associated with the following publications: (PMID: 37377599)

Blueprint Genetics
Classification: Likely pathogenic for NDUFAF6-related disorders. Last evaluated: 2020-03-20. Review status: criteria provided, single submitter. Criteria: ACMG Guidelines, 2015. Collection method: clinical testing. Allele origin: germline. Affected: yes. Observed: 2 variant alleles.

Istanbul Faculty of Medicine, Istanbul University
Classification: Pathogenic for Mitochondrial complex I deficiency, nuclear type 17. Last evaluated: 2020-12-25. Review status: no assertion criteria provided. Collection method: clinical testing. Allele origin: germline. Affected: yes. Observed: 1 variant allele. Not counted in ClinVar's aggregate classification.

Literature cited by the submitters: PubMed 28639102 (cited by Labcorp Genetics (formerly Invitae), Labcorp); PubMed 30642748 (cited by Labcorp Genetics (formerly Invitae), Labcorp); PubMed 37377599 (cited by Labcorp Genetics (formerly Invitae), Labcorp and Istanbul Faculty of Medicine, Istanbul University).